The following is an entry in ClinVar:

NM_001369.3(DNAH5):c.8010+3A>G

Gene: DNAH5 (dynein axonemal heavy chain 5; minus strand). Cytogenetic location: 5p15.2.
Variant type: single nucleotide variant.
Coding change: c.8010+3A>G on transcript NM_001369.3 (MANE Select); 3 bases into the intron after coding-DNA position 8010, A replaced by G.
Molecular consequence: intron variant.
Genome position (GRCh38, 1-based): chr5:13,793,933, T>C on the plus strand (A>G on the coding strand, the complement: DNAH5 is on the minus strand). VCF-style: chr5-13793933-T-C. GRCh37 (hg19) VCF-style: chr5-13794042-T-C.
Identifiers: ClinVar variation 580230 (VCV000580230.15), dbSNP rs748171209, ClinGen allele CA3202936.
Genomic context (GRCh38, chr5:13,793,933, plus strand): 5'-ACTCTTCTAAGAATAAATCAATACCAAATTAAAGAAATAAAATGCACAATAGAATGATGA[T>C]ACCTGATCTCCCCACTCATTGATTATTGGCATATTCACATCATCAATAAAAACAGTCATC-3'

ClinVar aggregate classification (germline): Conflicting classifications of pathogenicity. Review status: criteria provided, conflicting classifications (1 of 4 stars). 7 submissions from 7 submitters: Pathogenic (1); Likely pathogenic (2); Uncertain significance (2). 2 of the submissions do not count toward it. Last evaluated 2026-02-11.

Conditions:
Primary ciliary dyskinesia. Also called: Ciliary dyskinesia. Identifiers: Orphanet 244, MedGen C0008780, MONDO:0016575, HP:0012265.
Primary ciliary dyskinesia 3. Identifiers: Orphanet 244, MedGen C1837618, MONDO:0012085, OMIM 608644.

Allele frequency attached by ClinVar (database versions not stated): ExAC 0.00001; gnomAD 0.00001; gnomAD exomes 0.00001; TOPMed 0.00002.
gnomAD v4.1: 4 of 1,613,738 alleles (0.00025%); highest among the groups gnomAD compares: Admixed American, 0.005%; no homozygotes.

Submissions (7):

GeneDx
Classification: Uncertain significance. Last evaluated: 2026-02-11. Review status: criteria provided, single submitter. Criteria: GeneDx Variant Classification Process June 2021. Collection method: clinical testing. Allele origin: germline.
Comment: In silico analysis supports a deleterious effect on splicing; This variant is associated with the following publications: (PMID: 30067075)

Labcorp Genetics (formerly Invitae), Labcorp
Classification: Pathogenic for Primary ciliary dyskinesia. Last evaluated: 2025-12-27. Review status: criteria provided, single submitter. Criteria: Invitae Variant Classification Sherloc (09022015). Collection method: clinical testing. Allele origin: germline.
Comment: This sequence change falls in intron 48 of the DNAH5 gene. It does not directly change the encoded amino acid sequence of the DNAH5 protein. It affects a nucleotide within the consensus splice site. This variant is present in population databases (rs748171209, gnomAD 0.006%). This variant has been observed in individual(s) with primary ciliary dyskinesia (PMID: 30067075; internal data). ClinVar contains an entry for this variant (Variation ID: 580230). Variants that disrupt the consensus splice site are a relatively common cause of aberrant splicing (PMID: 17576681, 9536098). Algorithms developed to predict the effect of sequence changes on RNA splicing suggest that this variant may disrupt the consensus splice site. For these reasons, this variant has been classified as Pathogenic.

Blueprint Genetics
Classification: Uncertain significance. Last evaluated: 2024-11-25. Review status: criteria provided, single submitter. Criteria: ACMG Guidelines, 2015. Collection method: clinical testing. Allele origin: germline.

Fulgent Genetics
Classification: Likely pathogenic for Primary ciliary dyskinesia 3. Last evaluated: 2024-02-03. Review status: criteria provided, single submitter. Criteria: ACMG Guidelines, 2015. Collection method: clinical testing. Allele origin: germline.

Ambry Genetics
Classification: Likely pathogenic for Primary ciliary dyskinesia. Last evaluated: 2022-02-14. Review status: criteria provided, single submitter. Criteria: Ambry Variant Classification Scheme 2023. Collection method: clinical testing. Allele origin: germline.
Comment: The c.8010+3A>G intronic variant results from an A to G substitution 3 nucleotides after coding exon 48 in the DNAH5 gene. This nucleotide position is well conserved in available vertebrate species. In silico splice site analysis predicts that this alteration will weaken the native splice donor site. This alteration has been detected in conjunction with other disease-causing alterations in DNAH5 in multiple individuals with primary ciliary dyskinesia (Davis SD et al. Am J Respir Crit Care Med, 2019 01;199:190-198; Invitae pers. comm.). Based on the majority of available evidence to date, this variant is likely to be pathogenic.

Yale Center for Mendelian Genomics, Yale University
Classification: Likely pathogenic for Primary ciliary dyskinesia. Last evaluated: 2018-08-01. Review status: no assertion criteria provided. Collection method: literature only. Allele origin: germline. Affected: yes. Observed: 1 compound heterozygote. Study: Yale Center for Mendelian Genomics. Not counted in ClinVar's aggregate classification.

AiLife Diagnostics
Classification: Uncertain significance. Last evaluated: 2021-08-03. Review status: flagged submission. Criteria: ACMG Guidelines, 2015. Collection method: clinical testing. Allele origin: germline. Affected: yes. Observed: 1 variant allele. Not counted in ClinVar's aggregate classification.
ClinVar note: Reason: Outlier claim with insufficient supporting evidence

Literature cited by the submitters: PubMed 30067075 (cited by 4 submitters); PubMed 17576681 (cited by Labcorp Genetics (formerly Invitae), Labcorp); PubMed 9536098 (cited by Labcorp Genetics (formerly Invitae), Labcorp).